The following is an entry in ClinVar:

ClinVar aggregate classification (germline): Uncertain significance (1 of 4 stars; one submission).

Submission:

Ambry Genetics
Classification: Uncertain significance. Last evaluated: 2024-08-11. Review status: criteria provided, single submitter. Criteria: Ambry Variant Classification Scheme 2023. Collection method: clinical testing. Allele origin: germline.
Comment: The p.S1095P variant (also known as c.3283T>C), located in coding exon 2 of the MLH3 gene, results from a T to C substitution at nucleotide position 3283. The serine at codon 1095 is replaced by proline, an amino acid with similar properties. This amino acid position is conserved. In addition, the in silico prediction for this alteration is inconclusive. Based on the available evidence, the clinical significance of this variant remains unclear.

NM_001040108.2(MLH3):c.3283T>C (p.Ser1095Pro)

Gene: MLH3 (mutL homolog 3; minus strand). Cytogenetic location: 14q24.3.
Variant type: single nucleotide variant.
Coding change: c.3283T>C on transcript NM_001040108.2 (MANE Select); coding-DNA position 3283, T replaced by C.
Protein change: p.Ser1095Pro; replaces serine 1095 with proline.
Molecular consequence: missense variant.
Genome position (GRCh38, 1-based): chr14:75,042,475, A>G on the plus strand (T>C on the coding strand, the complement: MLH3 is on the minus strand). VCF-style: chr14-75042475-A-G. GRCh37 (hg19) VCF-style: chr14-75509178-A-G.
Other names: c.3283T>C, p.Ser1095Pro (NM_014381.3); short protein forms S1095P.
Identifiers: ClinVar variation 3396684 (VCV003396684.1).